The following is an entry in ClinVar:

ClinVar aggregate classification (germline): Uncertain significance (1 of 4 stars; one submission).

Conditions:
Hereditary sensory neuropathy-deafness-dementia syndrome. Also called: NEUROPATHY, HEREDITARY SENSORY, WITH HEARING LOSS AND DEMENTIA; Hereditary Sensory and Autonomic Neuropathy Type 1E (HSAN1E); Hereditary sensory neuropathy type IE; HSN IE. Identifiers: Orphanet 456318, MedGen C3279885, MONDO:0013584, OMIM 614116.

Submission:

Labcorp Genetics (formerly Invitae), Labcorp
Classification: Uncertain significance for Hereditary sensory neuropathy-deafness-dementia syndrome. Last evaluated: 2023-05-11. Review status: criteria provided, single submitter. Criteria: Invitae Variant Classification Sherloc (09022015). Collection method: clinical testing. Allele origin: germline.
Comment: In summary, the available evidence is currently insufficient to determine the role of this variant in disease. Therefore, it has been classified as a Variant of Uncertain Significance. An algorithm developed to predict the effect of missense changes on protein structure and function (PolyPhen-2) suggests that this variant is likely to be disruptive. This variant has not been reported in the literature in individuals affected with DNMT1-related conditions. This variant is not present in population databases (gnomAD no frequency). This sequence change replaces threonine, which is neutral and polar, with asparagine, which is neutral and polar, at codon 182 of the DNMT1 protein (p.Thr182Asn).

NM_001130823.3(DNMT1):c.545C>A (p.Thr182Asn)

Gene: DNMT1 (DNA methyltransferase 1; minus strand). Cytogenetic location: 19p13.2.
Variant type: single nucleotide variant.
Coding change: c.545C>A on transcript NM_001130823.3 (MANE Select); coding-DNA position 545, C replaced by A.
Protein change: p.Thr182Asn; replaces threonine 182 with asparagine.
Molecular consequence: missense variant.
Genome position (GRCh38, 1-based): chr19:10,177,316, G>T on the plus strand (C>A on the coding strand, the complement: DNMT1 is on the minus strand). VCF-style: chr19-10177316-G-T. GRCh37 (hg19) VCF-style: chr19-10287992-G-T.
Other names: c.497C>A, p.Thr166Asn (NM_001318730.2, NM_001379.4); c.182C>A, p.Thr61Asn (NM_001318731.2); short protein forms T182N, T166N, T61N.
Identifiers: ClinVar variation 2863232 (VCV002863232.3), dbSNP rs2513883873, ClinGen allele CA403944954.